The following is an entry in ClinVar:

ClinVar aggregate classification (germline): Likely benign. Review status: criteria provided, multiple submitters, no conflicts (2 of 4 stars). 2 submissions from 2 submitters: Likely benign (2). Last evaluated 2025-04-28.

Conditions:
Loeys-Dietz syndrome (LDS). Identifiers: Orphanet 60030, MedGen C2697932, MONDO:0018954.
Familial thoracic aortic aneurysm and aortic dissection (TAAD). Also called: Thoracic aortic aneurysms and dissections. Identifiers: Orphanet 91387, MedGen C4707243, MONDO:0019625.

gnomAD v4.1: 1 of 1,613,878 alleles (0.000062%); highest among the groups gnomAD compares: Non-Finnish European, 0.000085%; no homozygotes.

Submissions (2):

Labcorp Genetics (formerly Invitae), Labcorp
Classification: Likely benign for Familial thoracic aortic aneurysm and aortic dissection. Last evaluated: 2025-04-28. Review status: criteria provided, single submitter. Criteria: Invitae Variant Classification Sherloc (09022015). Collection method: clinical testing. Allele origin: germline.

All of Us Research Program, National Institutes of Health
Classification: Likely benign for Loeys-Dietz syndrome. Last evaluated: 2023-10-02. Review status: criteria provided, single submitter. Criteria: ACMG Guidelines, 2015. Collection method: clinical testing. Allele origin: germline. Inheritance: Autosomal dominant inheritance. Observed: 1 variant allele, 1 heterozygote.
Comment: This study involves interpretation of variants in research participants for the purpose of population health screening. Participant phenotype was not available at the time of variant classification. Additional details can be found in publication PMID: 35346344, PMCID: PMC8962531

NM_004612.4(TGFBR1):c.1131-8T>C

Gene: TGFBR1 (transforming growth factor beta receptor 1; plus strand). Cytogenetic location: 9q22.33.
Variant type: single nucleotide variant.
Coding change: c.1131-8T>C on transcript NM_004612.4 (MANE Select); 8 bases into the intron before coding-DNA position 1131, T replaced by C.
Molecular consequence: intron variant.
Genome position (GRCh38, 1-based): chr9:99,146,477, T>C. VCF-style: chr9-99146477-T-C. GRCh37 (hg19) VCF-style: chr9-101908759-T-C.
Other names: c.936-8T>C (NM_001407418.1, NM_001407419.1, NM_001407422.1 and 1 more transcripts); c.924-8T>C (NM_001407423.1, NM_001407424.1, NM_001407425.1 and 8 more transcripts); c.1143-8T>C (NM_001306210.2); c.975-8T>C (NM_001407416.1); c.963-8T>C (NM_001407417.1); c.900-8T>C (NM_001407435.1, NM_001130916.3); c.885-8T>C (NM_001407436.1); c.654-8T>C (NM_001407438.1); and 1 more.
Identifiers: ClinVar variation 2806437 (VCV002806437.4), dbSNP rs1827799094, ClinGen allele CA1867263745.